The following is an entry in ClinVar:

ClinVar aggregate classification (germline): Pathogenic/Likely pathogenic. Review status: criteria provided, multiple submitters, no conflicts (2 of 4 stars). 4 submissions from 4 submitters: Pathogenic (2); Likely pathogenic (2). Last evaluated 2026-02-23.

Conditions:
Dilated cardiomyopathy 1G (CMD1G). Identifiers: Orphanet 154, MedGen C1858763, MONDO:0011400, OMIM 604145.
Autosomal recessive limb-girdle muscular dystrophy type 2J (LGMDR10). Also called: Limb-girdle muscular dystrophy, type 2J; MUSCULAR DYSTROPHY, LIMB-GIRDLE, AUTOSOMAL RECESSIVE 10. Identifiers: Orphanet 140922, MedGen C1837342, MONDO:0012127, OMIM 608807.
Cardiovascular phenotype. Identifiers: MedGen CN230736.

Submissions (4):

Ambry Genetics
Classification: Likely pathogenic for Cardiovascular phenotype. Last evaluated: 2026-02-23. Review status: criteria provided, single submitter. Criteria: Ambry Variant Classification Scheme 2023. Collection method: clinical testing. Allele origin: germline.
Comment: The p.E10928* variant (also known as c.32782G>T), located in coding exon 130 of the TTN gene, results from a G to T substitution at nucleotide position 32782. This changes the amino acid from a glutamic acid to a stop codon within coding exon 130. This exon is located in the A-band region of the N2-B isoform of the titin protein and is constitutively expressed in TTN transcripts (percent spliced in or PSI 100%). This variant is considered to be rare based on population cohorts in the Genome Aggregation Database (gnomAD). This alteration is expected to result in loss of function by premature protein truncation or nonsense-mediated mRNA decay. While truncating variants in TTN are present in 1-3% of the general population, truncating variants in the A-band are the most common cause of dilated cardiomyopathy (DCM) (Herman DS et al. N. Engl. J. Med., 2012 Feb;366:619-28; Roberts AM et al. Sci Transl Med, 2015 Jan;7:270ra6). TTN truncating variants encoded in constitutive exons (PSI >90%) have been found to be significantly associated with DCM regardless of their position in titin (Schafer S et al. Nat. Genet., 2017 01;49:46-53). As such, this alteration is classified as likely pathogenic.

Labcorp Genetics (formerly Invitae), Labcorp
Classification: Likely pathogenic for Dilated cardiomyopathy 1G; Autosomal recessive limb-girdle muscular dystrophy type 2J. Last evaluated: 2025-04-29. Review status: criteria provided, single submitter. Criteria: Invitae Variant Classification Sherloc (09022015). Collection method: clinical testing. Allele origin: germline.
Comment: This sequence change creates a premature translational stop signal (p.Glu19993*) in the TTN gene. While this is not anticipated to result in nonsense mediated decay, it is expected to create a truncated TTN protein. This variant is not present in population databases (gnomAD no frequency). This variant has not been reported in the literature in individuals affected with TTN-related conditions. ClinVar contains an entry for this variant (Variation ID: 426838). Algorithms developed to predict the effect of sequence changes on RNA splicing suggest that this variant may disrupt the consensus splice site. This variant is located in the A band of TTN (PMID: 25589632). Truncating variants in this region are significantly overrepresented in patients affected with dilated cardiomyopathy (PMID: 25589632). Truncating variants in this region have also been reported in individuals affected with autosomal recessive centronuclear myopathy (PMID: 23975875). In summary, the currently available evidence indicates that the variant is pathogenic, but additional data are needed to prove that conclusively. Therefore, this variant has been classified as Likely Pathogenic.

Victorian Clinical Genetics Services, Murdoch Childrens Research Institute
Classification: Pathogenic for Dilated cardiomyopathy 1G. Last evaluated: 2025-03-24. Review status: criteria provided, single submitter. Criteria: ACMG Guidelines, 2015. Collection method: clinical testing. Allele origin: germline. Affected: yes.
Comment: This variant is classified as Pathogenic. Evidence in support of pathogenic classification: Variant is predicted to cause nonsense-mediated decay (NMD) and loss of protein (premature termination codon is located at least 54 nucleotides upstream of the final exon-exon junction); Variant is absent from gnomAD (v2, v3 and v4); This variant has strong previous evidence of pathogenicity in unrelated individuals. It has been classified as pathogenic and likely pathogenic by clinical laboratories in individuals affected with cardiac disease (ClinVar, personal communication); Other NMD-predicted variant(s) comparable to the one identified in this case have strong previous evidence for pathogenicity (DECIPHER). Additional information: This variant is heterozygous; This gene is associated with both recessive and dominant disease (OMIM); No published functional evidence has been identified for this variant; Variant is located in the annotated A-band and the exon has a PSI score of 100% (PMID: 25589632); Loss of function is a known mechanism of disease in this gene. In addition, dominant negative is also a suggested mechanism. (PMID: 25589632); The condition associated with this gene has incomplete penetrance. Variants in this gene that result in a premature termination codon (PTC) are known to have reduced penetrance in DCM (PMID: 25589632); Inheritance information for this variant is not currently available in this individual.

GeneDx
Classification: Pathogenic. Last evaluated: 2024-12-19. Review status: criteria provided, single submitter. Criteria: GeneDx Variant Classification Process June 2021. Collection method: clinical testing. Allele origin: germline. Affected: yes.
Comment: Nonsense variant predicted to result in protein truncation or nonsense mediated decay in a gene for which loss of function is a known mechanism of disease; Located in the A-band, a region of TTN for which truncating variants are significantly associated with autosomal dominant cardiomyopathy and also with autosomal recessive skeletal myopathies (PMID: 22335739, 32778822); Not observed at significant frequency in large population cohorts (gnomAD); Has not been previously published as pathogenic or benign to our knowledge; This variant is associated with the following publications: (PMID: 22335739, 32778822)

Literature cited by the submitters: PubMed 25589632 (cited by Labcorp Genetics (formerly Invitae), Labcorp and Victorian Clinical Genetics Services, Murdoch Childrens Research Institute); PubMed 23975875 (cited by Labcorp Genetics (formerly Invitae), Labcorp).

NM_001267550.2(TTN):c.59977G>T (p.Glu19993Ter)

Genes: TTN (titin; minus strand), TTN-AS1 (TTN antisense RNA 1; plus strand), LOC126806424 (CDK7 strongly-dependent group 2 enhancer GRCh37_chr2:179456337-179457536; plus strand). Cytogenetic location: 2q31.2.
Variant type: single nucleotide variant.
Coding change: c.59977G>T on transcript NM_001267550.2 (MANE Select); coding-DNA position 59977, G replaced by T.
Protein change: p.Glu19993Ter; replaces glutamic acid 19993 with a stop codon.
Molecular consequence: nonsense.
Genome position (GRCh38, 1-based): chr2:178,591,842, C>A on the plus strand (G>T on the coding strand, the complement: TTN is on the minus strand). VCF-style: chr2-178591842-C-A. GRCh37 (hg19) VCF-style: chr2-179456569-C-A.
Other names: c.55054G>T, p.Glu18352Ter (NM_001256850.1); c.32782G>T, p.Glu10928Ter (NM_003319.4); c.52273G>T, p.Glu17425Ter (NM_133378.4); c.33157G>T, p.Glu11053Ter (NM_133432.3); c.33358G>T, p.Glu11120Ter (NM_133437.4); c.59977G>T (NM_001267550.1); short protein forms E18352*, E19993*, E11053*, E17425*, E10928*, E11120*.
Identifiers: ClinVar variation 426838 (VCV000426838.13), dbSNP rs1085307825, ClinGen allele CA349488139.